The following is an entry in ClinVar:

NM_198253.3(TERT):c.2345A>G (p.Glu782Gly)

Gene: TERT (telomerase reverse transcriptase; minus strand). Cytogenetic location: 5p15.33.
Variant type: single nucleotide variant.
Coding change: c.2345A>G on transcript NM_198253.3 (MANE Select); coding-DNA position 2345, A replaced by G.
Protein change: p.Glu782Gly; replaces glutamic acid 782 with glycine.
Molecular consequence: missense variant.
Genome position (GRCh38, 1-based): chr5:1,272,222, T>C on the plus strand (A>G on the coding strand, the complement: TERT is on the minus strand). VCF-style: chr5-1272222-T-C. GRCh37 (hg19) VCF-style: chr5-1272337-T-C.
Other names: p.Glu782Gly; c.2345A>G, p.Glu782Gly (NM_001193376.3); short protein forms E782G.
Identifiers: ClinVar variation 4541031 (VCV004541031.1).

ClinVar aggregate classification (germline): Uncertain significance (1 of 4 stars; one submission).

Submission:

Mayo Clinic Laboratories, Mayo Clinic
Classification: Uncertain significance. Last evaluated: 2025-07-09. Review status: criteria provided, single submitter. Criteria: ACMG Guidelines, 2015. Collection method: clinical testing. Allele origin: germline. Observed: 1 variant allele.
Comment: BP4_moderate, PP2, PM2_supporting